The following is an entry in ClinVar:

ClinVar aggregate classification (germline): Likely benign. Review status: criteria provided, multiple submitters, no conflicts (2 of 4 stars). 3 submissions from 3 submitters: Likely benign (2). 1 of the submissions does not count toward it. Last evaluated 2024-01-03.

Conditions:
SEMA3E-related disorder. Also called: SEMA3E-related condition.
CHARGE syndrome (CHARGE). Also called: Hittner Hirsch Kreh syndrome; CHARGE ASSOCIATION--COLOBOMA, HEART ANOMALY, CHOANAL ATRESIA, RETARDATION, GENITAL AND EAR ANOMALIES; Coloboma, heart anomaly, choanal atresia, retardation, genital and ear anomalies; CHARGE association; Hall-Hittner syndrome. Identifiers: Orphanet 138, MedGen C0265354, MONDO:0008965.

Allele frequency attached by ClinVar (database versions not stated): gnomAD 0.00001; gnomAD exomes 0.00001; ExAC 0.00002.
gnomAD v4.1: 6 of 1,613,746 alleles (0.00037%); highest among the groups gnomAD compares: East Asian, 0.0045%; no homozygotes.

Submissions (3):

Labcorp Genetics (formerly Invitae), Labcorp
Classification: Likely benign for CHARGE syndrome. Last evaluated: 2024-01-03. Review status: criteria provided, single submitter. Criteria: Invitae Variant Classification Sherloc (09022015). Collection method: clinical testing. Allele origin: germline.

Blueprint Genetics
Classification: Likely benign. Last evaluated: 2023-01-24. Review status: criteria provided, single submitter. Criteria: ACMG Guidelines, 2015. Collection method: clinical testing. Allele origin: germline.

PreventionGenetics, part of Exact Sciences
Classification: Likely benign for SEMA3E-related condition. Last evaluated: 2021-02-24. Review status: no assertion criteria provided. Collection method: clinical testing. Allele origin: germline. Not counted in ClinVar's aggregate classification.
Comment: This variant is classified as likely benign based on ACMG/AMP sequence variant interpretation guidelines (Richards et al. 2015 PMID: 25741868, with internal and published modifications).

NM_012431.3(SEMA3E):c.2187C>T (p.Cys729=)

Gene: SEMA3E (semaphorin 3E; minus strand). Cytogenetic location: 7q21.11.
Variant type: single nucleotide variant.
Coding change: c.2187C>T on transcript NM_012431.3 (MANE Select); coding-DNA position 2187, C replaced by T.
Protein change: p.Cys729=; no amino-acid change (cysteine 729 retained).
Molecular consequence: synonymous variant.
Genome position (GRCh38, 1-based): chr7:83,367,727, G>A on the plus strand (C>T on the coding strand, the complement: SEMA3E is on the minus strand). VCF-style: chr7-83367727-G-A. GRCh37 (hg19) VCF-style: chr7-82997043-G-A.
Other names: c.2187C>T (NM_012431.2); c.2007C>T, p.Cys669= (NM_001178129.2).
Identifiers: ClinVar variation 2782411 (VCV002782411.6), dbSNP rs755671622, ClinGen allele CA4321812.
Genomic context (GRCh38, chr7:83,367,727, plus strand): 5'-CCACTTGGAGGGTGACATTTTAAGCTTTTTCCTCTTTCTATCTGTGCACCATACTTTCTC[G>A]CAGTATTCTTCCACTCTCTGGAAGTTGCTATAACCGATCAGCTGCAAGAATTCCTTGTAC-3'
Protein context (NP_036563.1, residues 719-739): YSNFQRVEEY[Cys729=]EKVWCTDRKR